The following is an entry in ClinVar:

NM_018706.7(DHTKD1):c.2378G>A (p.Gly793Asp)

Gene: DHTKD1 (dehydrogenase E1 and transketolase domain containing 1; plus strand). Cytogenetic location: 10p14.
Variant type: single nucleotide variant.
Coding change: c.2378G>A on transcript NM_018706.7 (MANE Select); coding-DNA position 2378, G replaced by A.
Protein change: p.Gly793Asp; replaces glycine 793 with aspartic acid.
Molecular consequence: missense variant.
Genome position (GRCh38, 1-based): chr10:12,117,731, G>A. VCF-style: chr10-12117731-G-A. GRCh37 (hg19) VCF-style: chr10-12159730-G-A.
Other names: c.2378G>A (NM_018706.5); short protein forms G793D.
Identifiers: ClinVar variation 2919804 (VCV002919804.4), dbSNP rs762495948, ClinGen allele CA5408238.

ClinVar aggregate classification (germline): Uncertain significance. Review status: criteria provided, multiple submitters, no conflicts (2 of 4 stars). 2 submissions from 2 submitters: Uncertain significance (2). Last evaluated 2024-12-17.

Conditions:
Inborn genetic diseases. Identifiers: MedGen C0950123, MeSH D030342.
2-aminoadipic 2-oxoadipic aciduria (AAKAD). Also called: ALPHA-AMINOADIPIC AND ALPHA-KETOADIPIC ACIDURIA; Aminoadipic aciduria. Identifiers: Orphanet 79154, MedGen C1859817, MONDO:0008774, OMIM 204750.

Allele frequency attached by ClinVar (database versions not stated): TOPMed below 0.00001; ExAC 0.00001; gnomAD 0.00001; gnomAD exomes 0.00002.
gnomAD v4.1: 37 of 1,603,606 alleles (0.0023%); highest among the groups gnomAD compares: Non-Finnish European, 0.0031%; no homozygotes.

Submissions (2):

Ambry Genetics
Classification: Uncertain significance for Inborn genetic diseases. Last evaluated: 2024-12-17. Review status: criteria provided, single submitter. Criteria: Ambry Variant Classification Scheme 2023. Collection method: clinical testing. Allele origin: germline.

Labcorp Genetics (formerly Invitae), Labcorp
Classification: Uncertain significance for 2-aminoadipic 2-oxoadipic aciduria. Last evaluated: 2023-03-02. Review status: criteria provided, single submitter. Criteria: Invitae Variant Classification Sherloc (09022015). Collection method: clinical testing. Allele origin: germline.
Comment: In summary, the available evidence is currently insufficient to determine the role of this variant in disease. Therefore, it has been classified as a Variant of Uncertain Significance. Advanced modeling of protein sequence and biophysical properties (such as structural, functional, and spatial information, amino acid conservation, physicochemical variation, residue mobility, and thermodynamic stability) performed at Invitae indicates that this missense variant is not expected to disrupt DHTKD1 protein function. This variant has not been reported in the literature in individuals affected with DHTKD1-related conditions. This variant is present in population databases (rs762495948, gnomAD 0.002%). This sequence change replaces glycine, which is neutral and non-polar, with aspartic acid, which is acidic and polar, at codon 793 of the DHTKD1 protein (p.Gly793Asp).